The following is an entry in ClinVar:

NM_001083961.2(WDR62):c.2334-331C>T

Gene: WDR62 (WD repeat domain 62; plus strand). Cytogenetic location: 19q13.12.
Variant type: single nucleotide variant.
Coding change: c.2334-331C>T on transcript NM_001083961.2 (MANE Select); 331 bases into the intron before coding-DNA position 2334, C replaced by T.
Molecular consequence: intron variant.
Genome position (GRCh38, 1-based): chr19:36,093,700, C>T. VCF-style: chr19-36093700-C-T. GRCh37 (hg19) VCF-style: chr19-36584602-C-T.
Other names: c.2334-331C>T (NM_173636.5).
Identifiers: ClinVar variation 669895 (VCV000669895.1), dbSNP rs10853945, ClinGen allele CA14641838.

ClinVar aggregate classification (germline): Benign (1 of 4 stars; one submission).

Allele frequency attached by ClinVar (database versions not stated): 1000 Genomes Project 0.59585; 1000 Genomes Project 30x 0.59947; gnomAD 0.60630 and 0.61231; TOPMed 0.61396.
gnomAD v4.1: 91,955 of 152,008 alleles (60%); highest among the groups gnomAD compares: African/African-American, 69%; 28,156 homozygotes.

Submission:

GeneDx
Classification: Benign. Last evaluated: 2018-06-14. Review status: criteria provided, single submitter. Criteria: GeneDx Variant Classification (06012015). Collection method: clinical testing. Allele origin: germline. Affected: yes.
Comment: This variant is considered likely benign or benign based on one or more of the following criteria: it is a conservative change, it occurs at a poorly conserved position in the protein, it is predicted to be benign by multiple in silico algorithms, and/or has population frequency not consistent with disease.